The following is an entry in ClinVar:

NM_005886.3(KATNB1):c.1793C>A (p.Ala598Glu)

Gene: KATNB1 (katanin regulatory subunit B1; plus strand). Cytogenetic location: 16q21.
Variant type: single nucleotide variant.
Coding change: c.1793C>A on transcript NM_005886.3 (MANE Select); coding-DNA position 1793, C replaced by A.
Protein change: p.Ala598Glu; replaces alanine 598 with glutamic acid.
Molecular consequence: missense variant.
Genome position (GRCh38, 1-based): chr16:57,756,430, C>A. VCF-style: chr16-57756430-C-A. GRCh37 (hg19) VCF-style: chr16-57790342-C-A.
Other names: short protein forms A598E.
Identifiers: ClinVar variation 2041481 (VCV002041481.4), dbSNP rs202016179, ClinGen allele CA8081380.
Genomic context (GRCh38, chr16:57,756,430, plus strand): 5'-GCTGCACCTCCCTGAAGCTGATCCTGCAGCGGTTTCTGCCCCTCATCACAGACATGCTGG[C>A]GGCCCCACCCTCTGTGGGTGTGGATATCAGCAGGGAGGAGAGGTGAGGGCAGCGCATGTG-3'
Protein context (NP_005877.2, residues 588-608): RFLPLITDML[Ala598Glu]APPSVGVDIS

ClinVar aggregate classification (germline): Uncertain significance (1 of 4 stars; one submission).

Submission:

Labcorp Genetics (formerly Invitae), Labcorp
Classification: Uncertain significance. Last evaluated: 2025-02-24. Review status: criteria provided, single submitter. Criteria: Invitae Variant Classification Sherloc (09022015). Collection method: clinical testing. Allele origin: germline.
Comment: This sequence change replaces alanine, which is neutral and non-polar, with glutamic acid, which is acidic and polar, at codon 598 of the KATNB1 protein (p.Ala598Glu). This variant is present in population databases (rs202016179, gnomAD 0.02%). This variant has not been reported in the literature in individuals affected with KATNB1-related conditions. ClinVar contains an entry for this variant (Variation ID: 2041481). Invitae Evidence Modeling of protein sequence and biophysical properties (such as structural, functional, and spatial information, amino acid conservation, physicochemical variation, residue mobility, and thermodynamic stability) indicates that this missense variant is not expected to disrupt KATNB1 protein function with a negative predictive value of 95%. In summary, the available evidence is currently insufficient to determine the role of this variant in disease. Therefore, it has been classified as a Variant of Uncertain Significance.